The following is an entry in ClinVar:

ClinVar aggregate classification (germline): Uncertain significance. Review status: criteria provided, multiple submitters, no conflicts (2 of 4 stars). 3 submissions from 3 submitters: Uncertain significance (3). Last evaluated 2025-12-28.

Conditions:
Cardiovascular phenotype. Identifiers: MedGen CN230736.
Catecholaminergic polymorphic ventricular tachycardia 1. Also called: VENTRICULAR TACHYCARDIA, CATECHOLAMINERGIC POLYMORPHIC, 1, WITH OR WITHOUT ATRIAL DYSFUNCTION AND/OR DILATED CARDIOMYOPATHY; RYR2-Related Catecholaminergic Polymorphic Ventricular Tachycardia; VENTRICULAR TACHYCARDIA, STRESS-INDUCED POLYMORPHIC 1. Identifiers: Orphanet 3286, MedGen C1631597, MONDO:0011484, OMIM 604772.

Allele frequency attached by ClinVar (database versions not stated): gnomAD 0.00001; TOPMed 0.00003.
gnomAD v4.1: 2 of 1,607,036 alleles (0.00012%); highest among the groups gnomAD compares: African/African-American, 0.0027%; no homozygotes.

Submissions (3):

Labcorp Genetics (formerly Invitae), Labcorp
Classification: Uncertain significance for Catecholaminergic polymorphic ventricular tachycardia 1. Last evaluated: 2025-12-28. Review status: criteria provided, single submitter. Criteria: Invitae Variant Classification Sherloc (09022015). Collection method: clinical testing. Allele origin: germline.
Comment: This sequence change replaces histidine, which is basic and polar, with proline, which is neutral and non-polar, at codon 2407 of the RYR2 protein (p.His2407Pro). This variant is present in population databases (no rsID available, gnomAD 0.01%). This variant has not been reported in the literature in individuals affected with RYR2-related conditions. ClinVar contains an entry for this variant (Variation ID: 835480). An algorithm developed to predict the effect of missense changes on protein structure and function (PolyPhen-2) suggests that this variant is likely to be disruptive. In summary, the available evidence is currently insufficient to determine the role of this variant in disease. Therefore, it has been classified as a Variant of Uncertain Significance.

GeneDx
Classification: Uncertain significance. Last evaluated: 2025-01-10. Review status: criteria provided, single submitter. Criteria: GeneDx Variant Classification Process June 2021. Collection method: clinical testing. Allele origin: germline. Affected: yes.
Comment: Not observed at significant frequency in large population cohorts (gnomAD); In silico analysis supports that this missense variant has a deleterious effect on protein structure/function; Has not been previously published as pathogenic or benign to our knowledge; Located in one of the three hot-spot regions of the RYR2 gene, where the majority of pathogenic missense variants occur (PMID: 19926015); This variant is associated with the following publications: (PMID: 19926015)

Ambry Genetics
Classification: Uncertain significance for Cardiovascular phenotype. Last evaluated: 2023-01-27. Review status: criteria provided, single submitter. Criteria: Ambry Variant Classification Scheme 2023. Collection method: clinical testing. Allele origin: germline.
Comment: The p.H2407P variant (also known as c.7220A>C), located in coding exon 47 of the RYR2 gene, results from an A to C substitution at nucleotide position 7220. The histidine at codon 2407 is replaced by proline, an amino acid with similar properties. This amino acid position is highly conserved in available vertebrate species. In addition, this alteration is predicted to be deleterious by in silico analysis. Since supporting evidence is limited at this time, the clinical significance of this alteration remains unclear.

NM_001035.3(RYR2):c.7220A>C (p.His2407Pro)

Gene: RYR2 (ryanodine receptor 2; plus strand). Cytogenetic location: 1q43.
Variant type: single nucleotide variant.
Coding change: c.7220A>C on transcript NM_001035.3 (MANE Select); coding-DNA position 7220, A replaced by C.
Protein change: p.His2407Pro; replaces histidine 2407 with proline.
Molecular consequence: missense variant.
Genome position (GRCh38, 1-based): chr1:237,641,001, A>C. VCF-style: chr1-237641001-A-C. GRCh37 (hg19) VCF-style: chr1-237804301-A-C.
Other names: short protein forms H2407P.
Identifiers: ClinVar variation 835480 (VCV000835480.14), dbSNP rs1197580766, ClinGen allele CA345396833.